The following is an entry in ClinVar:

ClinVar aggregate classification (germline): Uncertain significance. Review status: criteria provided, multiple submitters, no conflicts (2 of 4 stars). 4 submissions from 4 submitters: Uncertain significance (4). Last evaluated 2023-12-07.

Conditions:
Hereditary cancer-predisposing syndrome. Also called: Tumor predisposition; Hereditary Cancer Syndrome; Hereditary neoplastic syndrome; Neoplastic Syndromes, Hereditary. Identifiers: Orphanet 140162, MedGen C0027672, MeSH D009386, MONDO:0015356.
Classic or attenuated familial adenomatous polyposis. Identifiers: MedGen CN372698, MONDO:0021057.
Familial adenomatous polyposis 1 (FAP1). Also called: FAMILIAL ADENOMATOUS POLYPOSIS 1, ATTENUATED; POLYPOSIS, ADENOMATOUS INTESTINAL. Identifiers: MedGen C2713442, MONDO:0021056, OMIM 175100. Disease mechanism: loss of function.

Allele frequency attached by ClinVar (database versions not stated): gnomAD exomes below 0.00001.

Submissions (4):

Ambry Genetics
Classification: Uncertain significance for Hereditary cancer-predisposing syndrome. Last evaluated: 2023-12-07. Review status: criteria provided, single submitter. Criteria: Ambry Variant Classification Scheme 2023. Collection method: clinical testing. Allele origin: germline.
Comment: The p.V547I variant (also known as c.1639G>A), located in coding exon 13 of the APC gene, results from a G to A substitution at nucleotide position 1639. The valine at codon 547 is replaced by isoleucine, an amino acid with highly similar properties. This amino acid position is highly conserved in available vertebrate species. In addition, in silico predictors for this gene do not accurately predict pathogenicity. Since supporting evidence is limited at this time, the clinical significance of this alteration remains unclear.

Labcorp Genetics (formerly Invitae), Labcorp
Classification: Uncertain significance for Familial adenomatous polyposis 1. Last evaluated: 2023-08-18. Review status: criteria provided, single submitter. Criteria: Invitae Variant Classification Sherloc (09022015). Collection method: clinical testing. Allele origin: germline.
Comment: This sequence change replaces valine, which is neutral and non-polar, with isoleucine, which is neutral and non-polar, at codon 547 of the APC protein (p.Val547Ile). This variant is not present in population databases (gnomAD no frequency). This variant has not been reported in the literature in individuals affected with APC-related conditions. ClinVar contains an entry for this variant (Variation ID: 537498). Advanced modeling of protein sequence and biophysical properties (such as structural, functional, and spatial information, amino acid conservation, physicochemical variation, residue mobility, and thermodynamic stability) performed at Invitae indicates that this missense variant is not expected to disrupt APC protein function. In summary, the available evidence is currently insufficient to determine the role of this variant in disease. Therefore, it has been classified as a Variant of Uncertain Significance.

All of Us Research Program, National Institutes of Health
Classification: Uncertain significance for Classic or attenuated familial adenomatous polyposis. Last evaluated: 2023-05-04. Review status: criteria provided, single submitter. Criteria: ACMG Guidelines, 2015. Collection method: clinical testing. Allele origin: germline. Inheritance: Autosomal dominant inheritance. Observed: 1 variant allele, 1 heterozygote.
Comment: This missense variant replaces valine with isoleucine at codon 547 of the APC protein. Computational prediction suggests that this variant may not impact protein structure and function (internally defined REVEL score threshold <= 0.5, PMID: 27666373). To our knowledge, functional studies have not been reported for this variant. This variant has not been reported in individuals affected with APC-related disorders in the literature. This variant has not been identified in the general population by the Genome Aggregation Database (gnomAD). The available evidence is insufficient to determine the role of this variant in disease conclusively. Therefore, this variant is classified as a Variant of Uncertain Significance.

This study involves interpretation of variants in research participants for the purpose of population health screening. Participant phenotype was not available at the time of variant classification. Additional details can be found in publication PMID: 35346344, PMCID: PMC8962531

Color Diagnostics, LLC DBA Color Health
Classification: Uncertain significance for Hereditary cancer-predisposing syndrome. Last evaluated: 2023-04-19. Review status: criteria provided, single submitter. Criteria: ACMG Guidelines, 2015. Collection method: clinical testing. Allele origin: germline.
Comment: This missense variant replaces valine with isoleucine at codon 547 of the APC protein. Computational prediction suggests that this variant may not impact protein structure and function (internally defined REVEL score threshold <= 0.5, PMID: 27666373). To our knowledge, functional studies have not been reported for this variant. This variant has not been reported in individuals affected with APC-related disorders in the literature. This variant has not been identified in the general population by the Genome Aggregation Database (gnomAD). The available evidence is insufficient to determine the role of this variant in disease conclusively. Therefore, this variant is classified as a Variant of Uncertain Significance.

NM_000038.6(APC):c.1639G>A (p.Val547Ile)

Gene: APC (APC regulator of Wnt signaling pathway; plus strand). Cytogenetic location: 5q22.2.
Variant type: single nucleotide variant.
Coding change: c.1639G>A on transcript NM_000038.6 (MANE Select); coding-DNA position 1639, G replaced by A.
Protein change: p.Val547Ile; replaces valine 547 with isoleucine.
Molecular consequence: missense variant.
Genome position (GRCh38, 1-based): chr5:112,828,868, G>A. VCF-style: chr5-112828868-G-A. GRCh37 (hg19) VCF-style: chr5-112164565-G-A.
Other names: c.1639G>A, p.Val547Ile (NM_001127510.3, NM_001354895.2); c.1585G>A, p.Val529Ile (NM_001127511.3); c.1693G>A, p.Val565Ile (NM_001354896.2); c.1669G>A, p.Val557Ile (NM_001354897.2); c.1564G>A, p.Val522Ile (NM_001354898.2); c.1555G>A, p.Val519Ile (NM_001354899.2); c.1516G>A, p.Val506Ile (NM_001354900.2); c.1462G>A, p.Val488Ile (NM_001354901.2); and 5 more; short protein forms V529I, V547I, V387I, V488I, V557I, V264I, V456I, V565I.
Identifiers: ClinVar variation 537498 (VCV000537498.13), dbSNP rs1554082089, ClinGen allele CA16024888.